The following is an entry in ClinVar:

NM_001267550.2(TTN):c.106648A>G (p.Ile35550Val)

Genes: TTN-AS1 (TTN antisense RNA 1; plus strand), TTN (titin; minus strand). Cytogenetic location: 2q31.2.
Variant type: single nucleotide variant.
Coding change: c.106648A>G on transcript NM_001267550.2 (MANE Select); coding-DNA position 106648, A replaced by G.
Protein change: p.Ile35550Val; replaces isoleucine 35550 with valine.
Molecular consequence: missense variant.
Genome position (GRCh38, 1-based): chr2:178,529,103, T>C on the plus strand (A>G on the coding strand, the complement: TTN is on the minus strand). VCF-style: chr2-178529103-T-C. GRCh37 (hg19) VCF-style: chr2-179393830-T-C.
Other names: c.79828A>G, p.Ile26610Val (NM_133432.3); c.80029A>G, p.Ile26677Val (NM_133437.4); c.101725A>G, p.Ile33909Val (NM_001256850.1); c.79453A>G, p.Ile26485Val (NM_003319.4); c.98944A>G, p.Ile32982Val (NM_133378.4); short protein forms I33909V, I26610V, I26485V, I26677V, I32982V, I35550V.
Identifiers: ClinVar variation 648230 (VCV000648230.7), dbSNP rs1558973830, ClinGen allele CA349403890.

ClinVar aggregate classification (germline): Uncertain significance (1 of 4 stars; one submission).

Conditions:
Dilated cardiomyopathy 1G (CMD1G). Identifiers: Orphanet 154, MedGen C1858763, MONDO:0011400, OMIM 604145.
Autosomal recessive limb-girdle muscular dystrophy type 2J (LGMDR10). Also called: Limb-girdle muscular dystrophy, type 2J; MUSCULAR DYSTROPHY, LIMB-GIRDLE, AUTOSOMAL RECESSIVE 10. Identifiers: Orphanet 140922, MedGen C1837342, MONDO:0012127, OMIM 608807.

Allele frequency attached by ClinVar (database versions not stated): gnomAD exomes below 0.00001.
gnomAD v4.1: 1 of 1,612,196 alleles (0.000062%); highest among the groups gnomAD compares: Non-Finnish European, 0.000085%; no homozygotes.

Submission:

Labcorp Genetics (formerly Invitae), Labcorp
Classification: Uncertain significance for Dilated cardiomyopathy 1G; Autosomal recessive limb-girdle muscular dystrophy type 2J. Last evaluated: 2026-01-25. Review status: criteria provided, single submitter. Criteria: Invitae Variant Classification Sherloc (09022015). Collection method: clinical testing. Allele origin: germline.
Comment: This sequence change replaces isoleucine, which is neutral and non-polar, with valine, which is neutral and non-polar, at codon 35550 of the TTN protein (p.Ile35550Val). This variant is not present in population databases (gnomAD no frequency). This variant has not been reported in the literature in individuals affected with TTN-related conditions. ClinVar contains an entry for this variant (Variation ID: 648230). An algorithm developed to predict the effect of missense changes on protein structure and function outputs the following: PolyPhen-2: "Not Available". The valine amino acid residue is found in multiple mammalian species, which suggests that this missense change does not adversely affect protein function. This variant is located in the M band of TTN (PMID: 25589632). Non-truncating variants in this region may be relevant for neuromuscular disorders, but have not been definitively shown to cause cardiomyopathy (PMID: 23975875). In summary, the available evidence is currently insufficient to determine the role of this variant in disease. Therefore, it has been classified as a Variant of Uncertain Significance.

Literature cited by the submitters: PubMed 25589632; PubMed 23975875.